The following is an entry in ClinVar:

NM_014915.3(ANKRD26):c.3040_3066delinsTCT (p.Ala1014_Gln1022delinsSer)

Gene: ANKRD26 (ankyrin repeat domain containing 26; minus strand). Cytogenetic location: 10p12.1.
Variant type: Indel.
Coding change: c.3040_3066delinsTCT on transcript NM_014915.3 (MANE Select); coding-DNA positions 3040 to 3066, GCTGCTGCTATACATGATCGTGATCAA replaced by TCT.
Protein change: p.Ala1014_Gln1022delinsSer.
Molecular consequence: inframe indel.
Genome position (GRCh38, 1-based): chr10:27,035,384-27,035,410, TTGATCACGATCATGTATAGCAGCAGC replaced by AGA on the plus strand (GCTGCTGCTATACATGATCGTGATCAA replaced by TCT on the coding strand, the reverse complement: ANKRD26 is on the minus strand). VCF-style: chr10-27035384-TTGATCACGATCATGTATAGCAGCAGC-AGA. GRCh37 (hg19) VCF-style: chr10-27324313-TTGATCACGATCATGTATAGCAGCAGC-AGA.
Other names: c.3037_3063delinsTCT, p.Ala1013_Gln1021delinsSer (NM_001256053.2); c.3040_3066del27insTCT, p.Ala1014_Gln1022delinsSer (NM_014915.2).
Identifiers: ClinVar variation 3369983 (VCV003369983.1).

ClinVar aggregate classification (germline): Uncertain significance (1 of 4 stars; one submission).

Submission:

GeneDx
Classification: Uncertain significance. Last evaluated: 2023-12-27. Review status: criteria provided, single submitter. Criteria: GeneDx Variant Classification Process June 2021. Collection method: clinical testing. Allele origin: germline. Affected: yes.
Comment: In-frame deletion of 9 amino acids and insertion of 1 different amino acid in a non-repeat region; Not observed at significant frequency in large population cohorts (gnomAD); Has not been previously published as pathogenic or benign to our knowledge